The following is an entry in ClinVar:

NM_005921.2(MAP3K1):c.161G>A (p.Arg54Gln)

Genes: MAP3K1 (mitogen-activated protein kinase kinase kinase 1; plus strand), LOC129993918 (ATAC-STARR-seq lymphoblastoid silent region 16021; plus strand). Cytogenetic location: 5q11.2.
Variant type: single nucleotide variant.
Coding change: c.161G>A on transcript NM_005921.2 (MANE Select); coding-DNA position 161, G replaced by A.
Protein change: p.Arg54Gln; replaces arginine 54 with glutamine.
Molecular consequence: missense variant.
Genome position (GRCh38, 1-based): chr5:56,815,734, G>A. VCF-style: chr5-56815734-G-A. GRCh37 (hg19) VCF-style: chr5-56111561-G-A.
Other names: short protein forms R54Q.
Identifiers: ClinVar variation 2046774 (VCV002046774.4), dbSNP rs1050828981, ClinGen allele CA359801296.
Genomic context (GRCh38, chr5:56,815,734, plus strand): 5'-GCAGCGCGCCCGCGGCTGCCGCGGGACTGCTGCGGGAGGCGGGCAGCGGGGGCCGCGAGC[G>A]GGCGGACTGGCGGCGGCGGCAGCTGCGCAAAGTGCGGAGTGTGGAGCTGGACCAGCTGCC-3'
Protein context (NP_005912.1, residues 44-64): LREAGSGGRE[Arg54Gln]ADWRRRQLRK

ClinVar aggregate classification (germline): Uncertain significance (1 of 4 stars; one submission).

Conditions:
46,XY sex reversal 6. Also called: 46,XY GONADAL DYSGENESIS, PARTIAL OR COMPLETE, MAP3K1-RELATED; 46,XY SEX REVERSAL, PARTIAL OR COMPLETE, MAP3K1-RELATED. Identifiers: MedGen C3151064, MONDO:0013410, OMIM 613762.

gnomAD v4.1: 2 of 1,347,890 alleles (0.00015%); highest among the groups gnomAD compares: Non-Finnish European, 0.000095%; no homozygotes.

Submission:

Labcorp Genetics (formerly Invitae), Labcorp
Classification: Uncertain significance for 46,XY sex reversal 6. Last evaluated: 2022-07-07. Review status: criteria provided, single submitter. Criteria: Invitae Variant Classification Sherloc (09022015). Collection method: clinical testing. Allele origin: germline.
Comment: This sequence change replaces arginine, which is basic and polar, with glutamine, which is neutral and polar, at codon 54 of the MAP3K1 protein (p.Arg54Gln). This variant is not present in population databases (gnomAD no frequency). This variant has not been reported in the literature in individuals affected with MAP3K1-related conditions. Advanced modeling of protein sequence and biophysical properties (such as structural, functional, and spatial information, amino acid conservation, physicochemical variation, residue mobility, and thermodynamic stability) performed at Invitae indicates that this missense variant is not expected to disrupt MAP3K1 protein function. In summary, the available evidence is currently insufficient to determine the role of this variant in disease. Therefore, it has been classified as a Variant of Uncertain Significance.